The following is an entry in ClinVar:

ClinVar aggregate classification (germline): Conflicting classifications of pathogenicity. Review status: criteria provided, conflicting classifications (1 of 4 stars). 3 submissions from 3 submitters: Uncertain significance (2); Likely benign (1). Last evaluated 2025-09-04.

Conditions:
MYH7B-related disorder. Also called: MYH7B-related condition.

Allele frequency attached by ClinVar (database versions not stated): gnomAD exomes 0.00004; ExAC 0.00005; gnomAD 0.00006; TOPMed 0.00013; 1000 Genomes Project 0.00020; 1000 Genomes Project 30x 0.00031.
gnomAD v4.1: 71 of 1,613,410 alleles (0.0044%); highest among the groups gnomAD compares: Admixed American, 0.017%; no homozygotes.

Submissions (3):

PreventionGenetics, part of Exact Sciences
Classification: Uncertain significance for MYH7B-related condition. Last evaluated: 2025-09-04. Review status: criteria provided, single submitter. Criteria: ACMG Guidelines, 2015. Collection method: clinical testing. Allele origin: germline.
Comment: The MYH7B c.4897G>A variant is predicted to result in the amino acid substitution p.Ala1633Thr. To our knowledge, this variant has not been reported in the literature. This variant is reported in 0.013% of alleles in individuals of South Asian descent in gnomAD. At this time, the clinical significance of this variant is uncertain due to the absence of conclusive functional and genetic evidence.

Labcorp Genetics (formerly Invitae), Labcorp
Classification: Uncertain significance. Last evaluated: 2025-01-18. Review status: criteria provided, single submitter. Criteria: Invitae Variant Classification Sherloc (09022015). Collection method: clinical testing. Allele origin: germline.
Comment: This sequence change replaces alanine, which is neutral and non-polar, with threonine, which is neutral and polar, at codon 1633 of the MYH7B protein (p.Ala1633Thr). This variant is present in population databases (rs199859740, gnomAD 0.01%). This variant has not been reported in the literature in individuals affected with MYH7B-related conditions. ClinVar contains an entry for this variant (Variation ID: 1392317). Invitae Evidence Modeling of protein sequence and biophysical properties (such as structural, functional, and spatial information, amino acid conservation, physicochemical variation, residue mobility, and thermodynamic stability) indicates that this missense variant is not expected to disrupt MYH7B protein function with a negative predictive value of 80%. In summary, the available evidence is currently insufficient to determine the role of this variant in disease. Therefore, it has been classified as a Variant of Uncertain Significance.

Ambry Genetics
Classification: Likely benign. Last evaluated: 2024-01-08. Review status: criteria provided, single submitter. Criteria: Ambry Variant Classification Scheme 2023. Collection method: clinical testing. Allele origin: germline.

NM_020884.7(MYH7B):c.4771G>A (p.Ala1591Thr)

Gene: MYH7B (myosin heavy chain 7B; plus strand). Cytogenetic location: 20q11.22.
Variant type: single nucleotide variant.
Coding change: c.4771G>A on transcript NM_020884.7 (MANE Select); coding-DNA position 4771, G replaced by A.
Protein change: p.Ala1591Thr; replaces alanine 1591 with threonine.
Molecular consequence: missense variant.
Genome position (GRCh38, 1-based): chr20:34,999,896, G>A. VCF-style: chr20-34999896-G-A. GRCh37 (hg19) VCF-style: chr20-33587699-G-A.
Other names: c.4897G>A (NM_020884.4, NM_020884.3); short protein forms A1591T.
Identifiers: ClinVar variation 1392317 (VCV001392317.8), dbSNP rs199859740, ClinGen allele CA9828303.